The following is an entry in ClinVar:

ClinVar aggregate classification (germline): Pathogenic (1 of 4 stars; one submission).

Conditions:
Cardiovascular phenotype. Identifiers: MedGen CN230736.

Submission:

Ambry Genetics
Classification: Pathogenic for Cardiovascular phenotype. Last evaluated: 2015-06-01. Review status: criteria provided, single submitter. Criteria: Ambry Variant Classification Scheme 2023. Collection method: clinical testing. Allele origin: germline.
Comment: The c.1557+1G>A intronic pathogenic mutation results from a G to A one nucleotide after coding exon 6 of the KCNH2 gene. In one study of long QT syndrome clinical genetic testing, an alteration at the same position, c.1557+1G>C, was reported in two patients (Kapplinger JD et al. Heart Rhythm. 2009;6(9):1297-303). In addition to the clinical data presented in the literature, since alterations that disrupt the canonical splice donor site are typically deleterious in nature, this alteration is interpreted as a disease-causing mutation (ACMG Recommendations for Standards for Interpretation and Reporting of Sequence Variations. Revision 2007. Genet Med. 2008;10:294).

Literature cited by the submitters: PubMed 19716085.

NM_000238.4(KCNH2):c.1557+1G>A

Gene: KCNH2 (potassium voltage-gated channel subfamily H member 2; minus strand). Cytogenetic location: 7q36.1.
Variant type: single nucleotide variant.
Coding change: c.1557+1G>A on transcript NM_000238.4 (MANE Select); the canonical splice donor site of the intron after coding-DNA position 1557, G replaced by A.
Molecular consequence: splice donor variant.
Genome position (GRCh38, 1-based): chr7:150,952,424, C>T on the plus strand (G>A on the coding strand, the complement: KCNH2 is on the minus strand). VCF-style: chr7-150952424-C-T. GRCh37 (hg19) VCF-style: chr7-150649512-C-T.
Other names: c.1269+1G>A (NM_001406753.1, NM_001406756.1); c.537+1G>A (NM_172057.3, NM_001204798.2); c.1557+1G>A (NM_172056.3); c.1380+1G>A (NM_001406755.1); c.1257+1G>A (NM_001406757.1).
Identifiers: ClinVar variation 264098 (VCV000264098.7), dbSNP rs886039043, ClinGen allele CA10587640.